The following is an entry in ClinVar:

NM_003872.3(NRP2):c.670C>A (p.Pro224Thr)

Gene: NRP2 (neuropilin 2; plus strand). Cytogenetic location: 2q33.3.
Variant type: single nucleotide variant.
Coding change: c.670C>A on transcript NM_003872.3 (MANE Select); coding-DNA position 670, C replaced by A.
Protein change: p.Pro224Thr; replaces proline 224 with threonine.
Molecular consequence: missense variant.
Genome position (GRCh38, 1-based): chr2:205,723,790, C>A. VCF-style: chr2-205723790-C-A. GRCh37 (hg19) VCF-style: chr2-206588514-C-A.
Other names: c.670C>A, p.Pro224Thr (NM_018534.4, NM_201264.2, NM_201266.2 and 2 more transcripts); short protein forms P224T.
Identifiers: ClinVar variation 2636124 (VCV002636124.3), dbSNP rs532796522, ClinGen allele CA2068880.

ClinVar aggregate classification (germline): Uncertain significance. Review status: criteria provided, multiple submitters, no conflicts (2 of 4 stars). 2 submissions from 2 submitters: Uncertain significance (2). Last evaluated 2025-05-23.

Conditions:
NRP2-related disorder. Also called: NRP2-related condition.

Allele frequency attached by ClinVar (database versions not stated): TOPMed below 0.00001; gnomAD 0.00001; 1000 Genomes Project 0.00020; 1000 Genomes Project 30x 0.00031.
gnomAD v4.1: 22 of 1,614,074 alleles (0.0014%); highest among the groups gnomAD compares: South Asian, 0.014%; no homozygotes.

Submissions (2):

PreventionGenetics, part of Exact Sciences
Classification: Uncertain significance for NRP2-related condition. Last evaluated: 2025-05-23. Review status: criteria provided, single submitter. Criteria: ACMG Guidelines, 2015. Collection method: clinical testing. Allele origin: germline.
Comment: The NRP2 c.670C>A variant is predicted to result in the amino acid substitution p.Pro224Thr. To our knowledge, this variant has not been reported in the literature. This variant is reported in 0.027% of alleles in individuals of East Asian descent in gnomAD. At this time, the clinical significance of this variant is uncertain due to the absence of conclusive functional and genetic evidence.

Ambry Genetics
Classification: Uncertain significance. Last evaluated: 2024-01-09. Review status: criteria provided, single submitter. Criteria: Ambry Variant Classification Scheme 2023. Collection method: clinical testing. Allele origin: germline.